The following is an entry in ClinVar:

NM_000051.4(ATM):c.4987G>T (p.Gly1663Cys)

Gene: ATM (ATM serine/threonine kinase; plus strand). Cytogenetic location: 11q22.3.
Variant type: single nucleotide variant.
Coding change: c.4987G>T on transcript NM_000051.4 (MANE Select); coding-DNA position 4987, G replaced by T.
Protein change: p.Gly1663Cys; replaces glycine 1663 with cysteine.
Molecular consequence: missense variant.
Genome position (GRCh38, 1-based): chr11:108,297,364, G>T. VCF-style: chr11-108297364-G-T. GRCh37 (hg19) VCF-style: chr11-108168091-G-T.
Other names: c.4987G>T, p.Gly1663Cys (NM_001351834.2); short protein forms G1663C.
Identifiers: ClinVar variation 1718719 (VCV001718719.5), dbSNP rs1346404008, ClinGen allele CA382538503.
Genomic context (GRCh38, chr11:108,297,364, plus strand): 5'-ATTATGGTGAAACTAGTTGTCAATTTGTTGCAGTTATCCAAGATGGCAATAAACCACACT[G>T]GTGAAAAAGAAGTTCTAGGTAAACTACAGTCATGCGCTGCGTGACATTTCAGTCAACTGC-3'
Protein context (NP_000042.3, residues 1653-1673): QLSKMAINHT[Gly1663Cys]EKEVLEAVGS

ClinVar aggregate classification (germline): Uncertain significance (1 of 4 stars; one submission).

Conditions:
Ataxia-telangiectasia syndrome (AT). Also called: Cerebello-oculocutaneous telangiectasia; ATAXIA-TELANGIECTASIA, COMPLEMENTATION GROUP A; ATAXIA-TELANGIECTASIA, FRESNO VARIANT; Ataxia-telangiectasia, complementation group D; AT, COMPLEMENTATION GROUP C; Immunodeficiency with ataxia telangiectasia. Identifiers: Orphanet 100, MedGen C0004135, MONDO:0008840, OMIM 208900.

Submission:

Labcorp Genetics (formerly Invitae), Labcorp
Classification: Uncertain significance for Ataxia-telangiectasia syndrome. Last evaluated: 2023-02-20. Review status: criteria provided, single submitter. Criteria: Invitae Variant Classification Sherloc (09022015). Collection method: clinical testing. Allele origin: germline.
Comment: In summary, the available evidence is currently insufficient to determine the role of this variant in disease. Therefore, it has been classified as a Variant of Uncertain Significance. An algorithm developed to predict the effect of missense changes on protein structure and function (PolyPhen-2) suggests that this variant is likely to be disruptive. ClinVar contains an entry for this variant (Variation ID: 1718719). This variant has not been reported in the literature in individuals affected with ATM-related conditions. This variant is not present in population databases (gnomAD no frequency). This sequence change replaces glycine, which is neutral and non-polar, with cysteine, which is neutral and slightly polar, at codon 1663 of the ATM protein (p.Gly1663Cys).